The following is an entry in ClinVar:

ClinVar aggregate classification (germline): Uncertain significance (1 of 4 stars; one submission).

Submission:

Labcorp Genetics (formerly Invitae), Labcorp
Classification: Uncertain significance. Last evaluated: 2024-08-12. Review status: criteria provided, single submitter. Criteria: Invitae Variant Classification Sherloc (09022015). Collection method: clinical testing. Allele origin: germline.
Comment: This sequence change replaces alanine, which is neutral and non-polar, with valine, which is neutral and non-polar, at codon 1629 of the SPEG protein (p.Ala1629Val). This variant is not present in population databases (gnomAD no frequency). This variant has not been reported in the literature in individuals affected with SPEG-related conditions. ClinVar contains an entry for this variant (Variation ID: 1378247). An algorithm developed to predict the effect of missense changes on protein structure and function (PolyPhen-2) suggests that this variant is likely to be disruptive. In summary, the available evidence is currently insufficient to determine the role of this variant in disease. Therefore, it has been classified as a Variant of Uncertain Significance.

NM_005876.5(SPEG):c.4886C>T (p.Ala1629Val)

Gene: SPEG (striated muscle enriched protein kinase; plus strand). Cytogenetic location: 2q35.
Variant type: single nucleotide variant.
Coding change: c.4886C>T on transcript NM_005876.5 (MANE Select); coding-DNA position 4886, C replaced by T.
Protein change: p.Ala1629Val; replaces alanine 1629 with valine.
Molecular consequence: missense variant.
Genome position (GRCh38, 1-based): chr2:219,477,964, C>T. VCF-style: chr2-219477964-C-T. GRCh37 (hg19) VCF-style: chr2-220342686-C-T.
Other names: short protein forms A1629V.
Identifiers: ClinVar variation 1378247 (VCV001378247.8), dbSNP rs2125520443, ClinGen allele CA350685077.